The following is an entry in ClinVar:

ClinVar aggregate classification (germline): Pathogenic. Review status: reviewed by expert panel (3 of 4 stars). 7 submissions from 7 submitters: Pathogenic (1). 6 of the submissions do not count toward it. Last evaluated 2017-12-15.

Conditions:
Hereditary cancer-predisposing syndrome. Also called: Neoplastic Syndromes, Hereditary; Hereditary neoplastic syndrome; Hereditary Cancer Syndrome; Tumor predisposition. Identifiers: Orphanet 140162, MedGen C0027672, MeSH D009386, MONDO:0015356.
Breast-ovarian cancer, familial, susceptibility to, 1 (BROVCA1). Also called: BRCA1 Hereditary Breast and Ovarian Cancer; OVARIAN CANCER, SUSCEPTIBILITY TO. Identifiers: Orphanet 145, MedGen C2676676, MONDO:0011450, OMIM 604370. Disease mechanism: loss of function.
Hereditary breast ovarian cancer syndrome. Also called: Hereditary breast and ovarian cancer syndrome; Breast and ovarian cancer; Hereditary breast and ovarian cancer syndrome (HBOC); Hereditary breast and/or ovarian cancer syndrome; BRCA1- and BRCA2-Associated Hereditary Breast and Ovarian Cancer; Hereditary breast and ovarian cancer. Identifiers: Orphanet 145, MedGen C0677776, MeSH D061325, MONDO:0003582. Disease mechanism: loss of function.
Breast and/or ovarian cancer. Identifiers: MedGen CN221562.

Submissions (7):

Evidence-based Network for the Interpretation of Germline Mutant Alleles (ENIGMA)
Classification: Pathogenic for Breast-ovarian cancer, familial, susceptibility to, 1. Last evaluated: 2017-12-15. Review status: reviewed by expert panel. Criteria: ENIGMA BRCA1/2 Classification Criteria (2017-06-29). Collection method: curation. Allele origin: germline. Study: ENIGMA.
Comment: Variant allele predicted to encode a truncated non-functional protein.

Institute for Biomarker Research, Medical Diagnostic Laboratories, L.L.C.
Classification: Pathogenic for Hereditary breast ovarian cancer syndrome. Last evaluated: 2025-12-08. Review status: criteria provided, single submitter. Criteria: ACMG Guidelines, 2015. Collection method: clinical testing. Allele origin: germline. Not counted in ClinVar's aggregate classification.
Comment: The frameshift deletion NM_007294.4(BRCA1):c.2311_2317delTTGGTAC (p.Pro773Leufs*17) has been reported to ClinVar as Pathogenic with a status of (3 stars) reviewed by expert panel (Accession: VCV000409354.15).This variant is predicted to cause loss of normal protein function through protein truncation caused a frameshift mutation. This variant is a frameshift variant which occurs in an exon of BRCA1 upstream of where nonsense mediated decay is predicted to occur. This variant has been previously classified as pathogenic, indicating that the region is critical to protein function. The p.Pro773Leufs*17 variant is a loss of function variant in the gene BRCA1, which is intolerant of Loss of Function variants, as indicated by the presence of existing pathogenic loss of function variant NM_007294.4:c.-19-2A>G and 3392 others. For these reasons, this variant has been classified as Pathogenic.

Quest Diagnostics Nichols Institute San Juan Capistrano
Classification: Pathogenic. Last evaluated: 2025-05-01. Review status: criteria provided, single submitter. Criteria: Quest Diagnostics criteria. Collection method: clinical testing. Allele origin: unknown. Not counted in ClinVar's aggregate classification.
Comment: The BRCA1 c.2311_2317del (p.Pro773Leufs*17) variant alters the translational reading frame of the BRCA1 mRNA and causes the premature termination of BRCA1 protein synthesis. This variant has been reported in the published literature in an individual with ovarian cancer (PMID: 30014164 (2018)). This variant has not been reported in large, multi-ethnic general populations (Genome Aggregation Database). Based on the available information, this variant is classified as pathogenic.

Ambry Genetics
Classification: Pathogenic for Hereditary cancer-predisposing syndrome. Last evaluated: 2025-04-14. Review status: criteria provided, single submitter. Criteria: Ambry Variant Classification Scheme 2023. Collection method: clinical testing. Allele origin: germline. Not counted in ClinVar's aggregate classification.
Comment: The c.2311_2317delTTGGTAC pathogenic mutation, located in coding exon 9 of the BRCA1 gene, results from a deletion of 7 nucleotides at nucleotide positions 2311 to 2317, causing a translational frameshift with a predicted alternate stop codon (p.P773Lfs*17). This variant is considered to be rare based on population cohorts in the Genome Aggregation Database (gnomAD). This alteration is expected to result in loss of function by premature protein truncation or nonsense-mediated mRNA decay. As such, this alteration is interpreted as a disease-causing mutation.

Color Diagnostics, LLC DBA Color Health
Classification: Pathogenic for Hereditary cancer-predisposing syndrome. Last evaluated: 2020-05-06. Review status: criteria provided, single submitter. Criteria: ACMG Guidelines, 2015. Collection method: clinical testing. Allele origin: germline. Not counted in ClinVar's aggregate classification.
Comment: This variant deletes 7 nucleotides in exon 10 of the BRCA1 gene, creating a frameshift and premature translation stop signal. This variant is expected to result in an absent or non-functional protein product. To our knowledge, this variant has not been reported in individuals affected with hereditary cancer in the literature. This variant has not been identified in the general population by the Genome Aggregation Database (gnomAD). Loss of BRCA1 function is a known mechanism of disease. Based on the available evidence, this variant is classified as Pathogenic.

Labcorp Genetics (formerly Invitae), Labcorp
Classification: Pathogenic for Hereditary breast ovarian cancer syndrome. Last evaluated: 2016-05-20. Review status: criteria provided, single submitter. Criteria: Invitae Variant Classification Sherloc (09022015). Collection method: clinical testing. Allele origin: germline. Not counted in ClinVar's aggregate classification.
Comment: For these reasons, this variant has been classified as Pathogenic. While this particular variant has not been reported in the literature, truncating variants in BRCA1 are known to be pathogenic (PMID: 20104584). This sequence change deletes 7 nucleotides from exon 10 of the BRCA1 mRNA (c.2311_2317delTTGGTAC), causing a frameshift at codon 773. This creates a premature translational stop signal (p.Pro773Leufs*17) and is expected to result in an absent or disrupted protein product.

Foulkes Cancer Genetics LDI, Lady Davis Institute for Medical Research
Classification: Pathogenic for Breast and/or ovarian cancer. Last evaluated: 2016-05-05. Review status: no assertion criteria provided. Collection method: clinical testing. Allele origin: germline. Study: The Canadian Open Genetics Repository (COGR). Not counted in ClinVar's aggregate classification.

Literature cited by the submitters: PubMed 30014164 (cited by Quest Diagnostics Nichols Institute San Juan Capistrano); PubMed 20104584 (cited by Labcorp Genetics (formerly Invitae), Labcorp).

NM_007294.4(BRCA1):c.2311_2317del (p.Pro773fs)

Gene: BRCA1 (BRCA1 DNA repair associated; minus strand). Cytogenetic location: 17q21.31.
Variant type: Deletion.
Coding change: c.2311_2317del on transcript NM_007294.4 (MANE Select); coding-DNA positions 2311 to 2317, 7 bases deleted (TTGGTAC; older notation c.2311_2317delTTGGTAC).
Protein change: p.Pro773fs; shifts the reading frame from proline 773.
Molecular consequence: frameshift variant. On other transcripts: intron variant (137).
Genome position (GRCh38, 1-based): chr17:43,093,214-43,093,220, GTACCAA deleted on the plus strand (TTGGTAC on the coding strand, the reverse complement: BRCA1 is on the minus strand). VCF-style (leftmost placement, unchanged base first): chr17-43093213-GGTACCAA-G. GRCh37 (hg19) VCF-style: chr17-41245230-GGTACCAA-G.
Other names: c.2098_2104del, p.Pro702fs (NM_001407571.1, NM_001407853.1, NM_001407894.1 and 9 more transcripts); c.2311_2317del, p.Pro773fs (NM_001407581.1, NM_001407582.1, NM_001407583.1 and 30 more transcripts); c.2308_2314del, p.Pro772fs (NM_001407587.1, NM_001407590.1, NM_001407591.1 and 22 more transcripts); c.2302_2308del, p.Pro770fs (NM_001407646.1, NM_001407647.1); c.2188_2194del, p.Pro732fs (NM_001407648.1, NM_001407664.1, NM_001407665.1 and 19 more transcripts); c.2185_2191del, p.Pro731fs (NM_001407649.1, NM_001407670.1, NM_001407671.1 and 11 more transcripts); c.2233_2239del, p.Pro747fs (NM_001407653.1, NM_001407654.1, NM_001407655.1 and 4 more transcripts); c.2230_2236del, p.Pro746fs (NM_001407659.1, NM_001407660.1, NM_001407661.1 and 1 more transcripts); and 42 more; short protein forms P726fs, P773fs, P661fs, P684fs, P605fs, P646fs, P702fs, P705fs.
Identifiers: ClinVar variation 409354 (VCV000409354.17), dbSNP rs1060502354, ClinGen allele CA16615675.